The following is an entry in ClinVar:

NM_003922.4(HERC1):c.1579A>G (p.Thr527Ala)

Gene: HERC1 (HECT and RLD domain containing E3 ubiquitin protein ligase family member 1; minus strand). Cytogenetic location: 15q22.31.
Variant type: single nucleotide variant.
Coding change: c.1579A>G on transcript NM_003922.4 (MANE Select); coding-DNA position 1579, A replaced by G.
Protein change: p.Thr527Ala; replaces threonine 527 with alanine.
Molecular consequence: missense variant.
Genome position (GRCh38, 1-based): chr15:63,755,280, T>C on the plus strand (A>G on the coding strand, the complement: HERC1 is on the minus strand). VCF-style: chr15-63755280-T-C. GRCh37 (hg19) VCF-style: chr15-64047479-T-C.
Other names: short protein forms T527A.
Identifiers: ClinVar variation 1960799 (VCV001960799.5), dbSNP rs1292697326, ClinGen allele CA392803961.

ClinVar aggregate classification (germline): Uncertain significance (1 of 4 stars; one submission).

Allele frequency attached by ClinVar (database versions not stated): gnomAD exomes below 0.00001.
gnomAD v4.1: 2 of 1,613,968 alleles (0.00012%); highest among the groups gnomAD compares: Non-Finnish European, 0.00017%; no homozygotes.

Submission:

Labcorp Genetics (formerly Invitae), Labcorp
Classification: Uncertain significance. Last evaluated: 2022-03-13. Review status: criteria provided, single submitter. Criteria: Invitae Variant Classification Sherloc (09022015). Collection method: clinical testing. Allele origin: germline.
Comment: This sequence change replaces threonine, which is neutral and polar, with alanine, which is neutral and non-polar, at codon 527 of the HERC1 protein (p.Thr527Ala). This variant is present in population databases (no rsID available, gnomAD 0.0009%). This variant has not been reported in the literature in individuals affected with HERC1-related conditions. Algorithms developed to predict the effect of missense changes on protein structure and function are either unavailable or do not agree on the potential impact of this missense change (SIFT: "Deleterious"; PolyPhen-2: "Benign"; Align-GVGD: "Class C0"). In summary, the available evidence is currently insufficient to determine the role of this variant in disease. Therefore, it has been classified as a Variant of Uncertain Significance.